The following is an entry in ClinVar:

ClinVar aggregate classification (germline): Pathogenic. Review status: criteria provided, multiple submitters, no conflicts (2 of 4 stars). 4 submissions from 4 submitters: Pathogenic (4). Last evaluated 2024-07-29.

Conditions:
KCNH2-related disorder. Also called: KCNH2-related condition; KCNH2-related disorders.
Cardiovascular phenotype. Identifiers: MedGen CN230736.
Long QT syndrome (LQTS). Identifiers: MedGen C0023976, MeSH D008133, MONDO:0002442. Disease mechanism: loss of function. Inheritance: Various modes of inheritance.

Submissions (4):

All of Us Research Program, National Institutes of Health
Classification: Pathogenic for Long QT syndrome. Last evaluated: 2024-07-29. Review status: criteria provided, single submitter. Criteria: ACMG Guidelines, 2015. Collection method: clinical testing. Allele origin: germline. Inheritance: Autosomal dominant inheritance. Observed: 1 variant allele, 1 heterozygote.
Comment: This variant inserts 5 nucleotides in exon 13 of the KCNH2 gene, creating a frameshift and premature translation stop signal. This variant is expected to result in an absent or non-functional protein product. This variant has been reported in an individual affected with long QT syndrome (PMID: 31320904). This variant has not been identified in the general population by the Genome Aggregation Database (gnomAD). Loss of KCNH2 function is a known mechanism of disease. Based on the available evidence, this variant is classified as Pathogenic.

This study involves interpretation of variants in research participants for the purpose of population health screening. Participant phenotype was not available at the time of variant classification. Additional details can be found in publication PMID: 35346344, PMCID: PMC8962531

Ambry Genetics
Classification: Pathogenic for Cardiovascular phenotype. Last evaluated: 2024-04-18. Review status: criteria provided, single submitter. Criteria: Ambry Variant Classification Scheme 2023. Collection method: clinical testing. Allele origin: germline.
Comment: The c.3092_3096dupGTCGG pathogenic mutation, located in coding exon 13 of the KCNH2 gene, results from a duplication of GTCGG at nucleotide position 3092, causing a translational frameshift with a predicted alternate stop codon (p.R1033Vfs*26).This mutation was reported in an individual with prolonged QTc, sudden cardiac arrest, and ventricular fibrillation, who also had a likely benign KCNE2 variant detected (Heida A et al. Case Rep Med, 2019 Jun;2019:1384139). This variant is considered to be rare based on population cohorts in the Genome Aggregation Database (gnomAD). In addition to the clinical data presented in the literature, this alteration is expected to result in loss of function by premature protein truncation or nonsense-mediated mRNA decay. As such, this alteration is interpreted as a disease-causing mutation.

Blueprint Genetics
Classification: Pathogenic for KCNH2-related disorders. Last evaluated: 2023-09-25. Review status: criteria provided, single submitter. Criteria: ACMG Guidelines, 2015. Collection method: clinical testing. Allele origin: germline. Affected: yes. Observed: 2 variant alleles.

Labcorp Genetics (formerly Invitae), Labcorp
Classification: Pathogenic for Long QT syndrome. Last evaluated: 2023-05-12. Review status: criteria provided, single submitter. Criteria: Invitae Variant Classification Sherloc (09022015). Collection method: clinical testing. Allele origin: germline.
Comment: For these reasons, this variant has been classified as Pathogenic. ClinVar contains an entry for this variant (Variation ID: 456918). This premature translational stop signal has been observed in individual(s) with long QT syndrome (PMID: 31320904). This variant is not present in population databases (gnomAD no frequency). This sequence change creates a premature translational stop signal (p.Arg1033Valfs*26) in the KCNH2 gene. It is expected to result in an absent or disrupted protein product. Loss-of-function variants in KCNH2 are known to be pathogenic (PMID: 10973849, 19862833).

Literature cited by the submitters: PubMed 31320904 (cited by 3 submitters); PubMed 10973849 (cited by Labcorp Genetics (formerly Invitae), Labcorp); PubMed 19862833 (cited by Labcorp Genetics (formerly Invitae), Labcorp).

NM_000238.4(KCNH2):c.3092_3096dup (p.Arg1033fs)

Gene: KCNH2 (potassium voltage-gated channel subfamily H member 2; minus strand). Cytogenetic location: 7q36.1.
Variant type: Duplication.
Coding change: c.3092_3096dup on transcript NM_000238.4 (MANE Select); coding-DNA positions 3092 to 3096, 5 bases duplicated (GTCGG; older notation c.3092_3096dupGTCGG).
Protein change: p.Arg1033fs; shifts the reading frame from arginine 1033.
Molecular consequence: frameshift variant.
Genome position (GRCh38, 1-based): chr7:150,947,384-150,947,388, CCGAC duplicated on the plus strand (GTCGG on the coding strand, the reverse complement: KCNH2 is on the minus strand); duplicating any 5 consecutive bases within chr7:150,947,384-150,947,391 gives the same sequence; the c. name uses the placement nearest the transcript's 3' end. VCF-style (leftmost placement, unchanged base first): chr7-150947383-G-GCCGAC. GRCh37 (hg19) VCF-style: chr7-150644471-G-GCCGAC.
Other names: c.3092_3096dupGTCGG (NM_000238.3); c.2072_2076dup, p.Arg693fs (NM_172057.3); short protein forms R1033fs, R693fs.
Identifiers: ClinVar variation 456918 (VCV000456918.13), dbSNP rs1554424083, ClinGen allele CA658656013.